The following is an entry in ClinVar:

NM_000153.4(GALC):c.25T>G (p.Ser9Ala)

Gene: GALC (galactosylceramidase; minus strand). Cytogenetic location: 14q31.3.
Variant type: single nucleotide variant.
Coding change: c.25T>G on transcript NM_000153.4 (MANE Select); coding-DNA position 25, T replaced by G.
Protein change: p.Ser9Ala; replaces serine 9 with alanine.
Molecular consequence: missense variant. On other transcripts: intron variant (1).
Genome position (GRCh38, 1-based): chr14:87,993,140, A>C on the plus strand (T>G on the coding strand, the complement: GALC is on the minus strand). VCF-style: chr14-87993140-A-C. GRCh37 (hg19) VCF-style: chr14-88459484-A-C.
Other names: c.25T>G, p.Ser9Ala (NM_001201401.2); c.117+243T>G (NM_001201402.2); short protein forms S9A.
Identifiers: ClinVar variation 1715185 (VCV001715185.6), dbSNP rs1329012570, ClinGen allele CA390772094.
Genomic context (GRCh38, chr14:87,993,140, plus strand): 5'-CCGCGGCGCGGCCCGCCGAACCCGCGGCCGCAGTCATAGCTTTCGCTCGGCGTTGCCAGG[A>C]AGCCGAGAGTAGCCACTCAGCCATTGTGTGGGTCACATGACTCCGGCGCCCAGGGAGGCG-3'
Protein context (NP_000144.2, residues 1-19): MAEWLLSA[Ser9Ala]WQRRAKAMTA

ClinVar aggregate classification (germline): Uncertain significance (1 of 4 stars; one submission).

Conditions:
Galactosylceramide beta-galactosidase deficiency. Also called: Leukodystrophy, Globoid Cell; Krabbe Disease; GALACTOCEREBROSIDASE DEFICIENCY; GALC DEFICIENCY; GLOBOID CELL LEUKOENCEPHALOPATHY. Identifiers: Orphanet 487, MedGen C0023521, MONDO:0009499, OMIM 245200.

gnomAD v4.1: 1 of 1,584,344 alleles (0.000063%); highest among the groups gnomAD compares: East Asian, 0.0023%; no homozygotes.

Submission:

Labcorp Genetics (formerly Invitae), Labcorp
Classification: Uncertain significance for Galactosylceramide beta-galactosidase deficiency. Last evaluated: 2022-08-05. Review status: criteria provided, single submitter. Criteria: Invitae Variant Classification Sherloc (09022015). Collection method: clinical testing. Allele origin: germline.
Comment: This sequence change replaces serine, which is neutral and polar, with alanine, which is neutral and non-polar, at codon 9 of the GALC protein (p.Ser9Ala). This variant is present in population databases (no rsID available, gnomAD 0.007%). This variant has not been reported in the literature in individuals affected with GALC-related conditions. Advanced modeling of protein sequence and biophysical properties (such as structural, functional, and spatial information, amino acid conservation, physicochemical variation, residue mobility, and thermodynamic stability) performed at Invitae indicates that this missense variant is not expected to disrupt GALC protein function. In summary, the available evidence is currently insufficient to determine the role of this variant in disease. Therefore, it has been classified as a Variant of Uncertain Significance.